The following is an entry in ClinVar:

ClinVar aggregate classification (germline): Uncertain significance (1 of 4 stars; one submission).

Submission:

Mayo Clinic Laboratories, Mayo Clinic
Classification: Uncertain significance. Last evaluated: 2025-09-25. Review status: criteria provided, single submitter. Criteria: ACMG Guidelines, 2015. Collection method: clinical testing. Allele origin: germline. Observed: 1 variant allele.
Comment: PM2_supporting

NM_000229.2(LCAT):c.1295C>G (p.Ala432Gly)

Gene: LCAT (lecithin-cholesterol acyltransferase; minus strand). Cytogenetic location: 16q22.1.
Variant type: single nucleotide variant.
Coding change: c.1295C>G on transcript NM_000229.2 (MANE Select); coding-DNA position 1295, C replaced by G.
Protein change: p.Ala432Gly; replaces alanine 432 with glycine.
Molecular consequence: missense variant.
Genome position (GRCh38, 1-based): chr16:67,939,932, G>C on the plus strand (C>G on the coding strand, the complement: LCAT is on the minus strand). VCF-style: chr16-67939932-G-C. GRCh37 (hg19) VCF-style: chr16-67973835-G-C.
Other names: p.Ala432Gly; short protein forms A432G.
Identifiers: ClinVar variation 4542040 (VCV004542040.1).